The following is an entry in ClinVar:

ClinVar aggregate classification (germline): Pathogenic (1 of 4 stars; one submission).

Conditions:
Creatine transporter deficiency (CCDS1). Also called: CEREBRAL CREATINE DEFICIENCY SYNDROME 1; Mental retardation , X-linked with seizures, short stature and midface hypoplasia; Mental retardation , X-linked, with creatine transport deficiency; X-linked creatine transporter deficiency; X-linked creatine deficiency syndrome; SLC6A8-Related Creatine Transporter Deficiency. Identifiers: Orphanet 52503, MedGen C1845862, MONDO:0010305, OMIM 300352.

Submission:

Women's Health and Genetics/Laboratory Corporation of America, LabCorp
Classification: Pathogenic for Creatine transporter deficiency. Last evaluated: 2024-08-22. Review status: criteria provided, single submitter. Criteria: LabCorp Variant Classification Summary - May 2015. Collection method: clinical testing. Allele origin: germline.
Comment: Variant summary: The variant involves the deletion of exons 6-7 in the SLC6A8 gene. A presumed nomenclature of c.(912+1_913-1)_(1141+1_1142-1)del has been designated for the purposes of this classification. This Copy Number Variant (CNV) is expected to alter the reading frame and predicted to result in a truncation or absence of the encoded protein due to nonsense mediated decay (NMD). The variant was absent in 16120 control chromosomes. To our knowledge, no occurrence of c.(912+1_913-1)_(1141+1_1142-1)del in individuals affected with Creatine Deficiency, X-Linked and no experimental evidence demonstrating its impact on protein function have been reported. No submitters have cited clinical-significance assessments for this variant to ClinVar. Based on the evidence outlined above, the variant was classified as pathogenic.

NC_000023.10:g.(152958631_152958717)_(152959042_152959359)del

Gene: SLC6A8 (solute carrier family 6 member 8; plus strand). Cytogenetic location: Xq28.
Variant type: Deletion.
Identifiers: ClinVar variation 3366645 (VCV003366645.1).